The following is an entry in ClinVar:

ClinVar aggregate classification (germline): Uncertain significance (1 of 4 stars; one submission).

Submission:

GeneDx
Classification: Uncertain significance. Last evaluated: 2025-08-06. Review status: criteria provided, single submitter. Criteria: GeneDx Variant Classification Process June 2021. Collection method: clinical testing. Allele origin: germline. Affected: yes.
Comment: Not observed at significant frequency in large population cohorts (gnomAD); In silico analysis supports that this missense variant has a deleterious effect on protein structure/function; Has not been previously published as pathogenic or benign to our knowledge

NM_001005242.3(PKP2):c.1436C>T (p.Ala479Val)

Gene: PKP2 (plakophilin 2; minus strand). Cytogenetic location: 12p11.21.
Variant type: single nucleotide variant.
Coding change: c.1436C>T on transcript NM_001005242.3 (MANE Select); coding-DNA position 1436, C replaced by T.
Protein change: p.Ala479Val; replaces alanine 479 with valine.
Molecular consequence: missense variant.
Genome position (GRCh38, 1-based): chr12:32,841,148, G>A on the plus strand (C>T on the coding strand, the complement: PKP2 is on the minus strand). VCF-style: chr12-32841148-G-A. GRCh37 (hg19) VCF-style: chr12-32994082-G-A.
Other names: c.1436C>T, p.Ala479Val (NM_001407155.1, NM_001407156.1, NM_001407161.1); c.1568C>T, p.Ala523Val (NM_001407157.1, NM_004572.4); c.1109C>T, p.Ala370Val (NM_001407158.1, NM_001407159.1, NM_001407160.1 and 1 more transcripts); short protein forms A370V, A479V, A523V.
Identifiers: ClinVar variation 4755585 (VCV004755585.1).